The following is an entry in ClinVar:

NM_001001331.4(ATP2B2):c.790G>T (p.Val264Leu)

Gene: ATP2B2 (ATPase plasma membrane Ca2+ transporting 2; minus strand). Cytogenetic location: 3p25.3.
Variant type: single nucleotide variant.
Coding change: c.790G>T on transcript NM_001001331.4 (MANE Select); coding-DNA position 790, G replaced by T.
Protein change: p.Val264Leu; replaces valine 264 with leucine.
Molecular consequence: missense variant.
Genome position (GRCh38, 1-based): chr3:10,388,394, C>A on the plus strand (G>T on the coding strand, the complement: ATP2B2 is on the minus strand). VCF-style: chr3-10388394-C-A. GRCh37 (hg19) VCF-style: chr3-10430078-C-A.
Other names: c.790G>T, p.Val264Leu (NM_001330611.3, NM_001353564.1, NM_001363862.1 and 1 more transcripts); short protein forms V264L.
Identifiers: ClinVar variation 1386832 (VCV001386832.6), dbSNP rs2124875506, ClinGen allele CA351772838.

ClinVar aggregate classification (germline): Uncertain significance (1 of 4 stars; one submission).

Submission:

Labcorp Genetics (formerly Invitae), Labcorp
Classification: Uncertain significance. Last evaluated: 2022-09-27. Review status: criteria provided, single submitter. Criteria: Invitae Variant Classification Sherloc (09022015). Collection method: clinical testing. Allele origin: germline.
Comment: This variant is not present in population databases (gnomAD no frequency). Advanced modeling of protein sequence and biophysical properties (such as structural, functional, and spatial information, amino acid conservation, physicochemical variation, residue mobility, and thermodynamic stability) performed at Invitae indicates that this missense variant is expected to disrupt ATP2B2 protein function. ClinVar contains an entry for this variant (Variation ID: 1386832). This variant has not been reported in the literature in individuals affected with ATP2B2-related conditions. In summary, the available evidence is currently insufficient to determine the role of this variant in disease. Therefore, it has been classified as a Variant of Uncertain Significance. This sequence change replaces valine, which is neutral and non-polar, with leucine, which is neutral and non-polar, at codon 264 of the ATP2B2 protein (p.Val264Leu).